The following is an entry in ClinVar:

ClinVar aggregate classification (germline): Benign. Review status: criteria provided, multiple submitters, no conflicts (2 of 4 stars). 5 submissions from 5 submitters: Benign (4). 1 of the submissions does not count toward it. Last evaluated 2026-02-04.

Conditions:
Renal hypomagnesemia 4. Also called: HYPOMAGNESEMIA, RENAL, NORMOCALCIURIC. Identifiers: Orphanet 34527, MedGen C2673648, MONDO:0012717, OMIM 611718.
Cholangiocarcinoma. Identifiers: Orphanet 70567, MedGen C0206698, MeSH D018281, MONDO:0019087, HP:0030153.

Allele frequency attached by ClinVar (database versions not stated): gnomAD exomes 0.43318; gnomAD 0.50533 and 0.50595; TOPMed 0.53028; 1000 Genomes Project 0.60523; 1000 Genomes Project 30x 0.60665.
gnomAD v4.1: 115,530 of 241,254 alleles (48%); highest among the groups gnomAD compares: East Asian, 70%; 29,908 homozygotes.

Submissions (5):

Labcorp Genetics (formerly Invitae), Labcorp
Classification: Benign. Last evaluated: 2026-02-04. Review status: criteria provided, single submitter. Criteria: Invitae Variant Classification Sherloc (09022015). Collection method: clinical testing. Allele origin: germline.

GeneDx
Classification: Benign. Last evaluated: 2018-11-11. Review status: criteria provided, single submitter. Criteria: GeneDx Variant Classification Process June 2021. Collection method: clinical testing. Allele origin: germline. Affected: yes.
Comment: This variant is associated with the following publications: (PMID: 17851837, 19179548, 14973082, 19520791, 17175377, 22236006, 17433039, 21440548, 23403233, 22782629, 22106858, 22621366, 18167406, 20203692, 22129558, 19840254, 22829952, 11844511)

Illumina Laboratory Services, Illumina
Classification: Benign for Renal hypomagnesemia 4. Last evaluated: 2018-03-06. Review status: criteria provided, single submitter. Criteria: ICSL Variant Classification Criteria 13 December 2019. Collection method: clinical testing. Allele origin: germline.
Comment: This variant was observed in the ICSL laboratory as part of a predisposition screen in an ostensibly healthy population. It had not been previously curated by ICSL or reported in the Human Gene Mutation Database (HGMD: prior to June 1st, 2018), and was therefore a candidate for classification through an automated scoring system. Utilizing variant allele frequency, disease prevalence and penetrance estimates, and inheritance mode, an automated score was calculated to assess if this variant is too frequent to cause the disease. Based on the score and internal cut-off values, a variant classified as benign is not then subjected to further curation. The score for this variant resulted in a classification of benign for this disease.

Breakthrough Genomics
Classification: Benign. Review status: criteria provided, single submitter. Criteria: ACMG Guidelines, 2015. Collection method: not provided. Allele origin: germline. Inheritance: Autosomal recessive inheritance. Affected: yes.

Department of Surgery, Campus Charité Mitte | Campus Virchow-klinikum, Charite-Universitaetsmedizin Berlin
Classification: other for Cholangiocarcinoma. Last evaluated: 2022-12-10. Review status: no assertion criteria provided. Collection method: research. Allele origin: germline. Affected: yes. Not counted in ClinVar's aggregate classification.
Comment: No association with disease-free or overall survival after resection of intrahepatic Cholangiocarcinoma

Literature cited by the submitters: PubMed 18550579 (cited by Department of Surgery, Campus Charité Mitte | Campus Virchow-klinikum, Charite-Universitaetsmedizin Berlin).

NM_001963.6(EGF):c.-382A>G

Gene: EGF (epidermal growth factor; plus strand). Cytogenetic location: 4q25.
Variant type: single nucleotide variant.
Coding change: c.-382A>G on transcript NM_001963.6 (MANE Select); 382 bases upstream of the start codon, A replaced by G.
Molecular consequence: 5 prime UTR variant.
Genome position (GRCh38, 1-based): chr4:109,912,954, A>G. VCF-style: chr4-109912954-A-G. GRCh37 (hg19) VCF-style: chr4-110834110-A-G.
Other names: c.-382A>G (NM_001178130.3, NM_001178131.3, NM_001357021.2).
Identifiers: ClinVar variation 225998 (VCV000225998.19), dbSNP rs4444903, ClinGen allele CA10576151.
Genomic context (GRCh38, chr4:109,912,954, plus strand): 5'-ACTGTTGGGAGAGGAATCGTATCTCCATATTTCTTCTTTCAGCCCCAATCCAAGGGTTGT[A>G]GCTGGAACTTTCCATCAGTTCTTCCTTTCTTTTTCCTCTCTAAGCCTTTGCCTTGCTCTG-3'